The following is an entry in ClinVar:

ClinVar aggregate classification (germline): Uncertain significance (1 of 4 stars; one submission).

Conditions:
Mosaic variegated aneuploidy syndrome 1 (MVA1). Also called: Warburton-Anyane-Yeboa syndrome. Identifiers: Orphanet 1052, MedGen C1850343, MONDO:0009759, OMIM 257300.

Submission:

Labcorp Genetics (formerly Invitae), Labcorp
Classification: Uncertain significance for Mosaic variegated aneuploidy syndrome 1. Last evaluated: 2024-10-29. Review status: criteria provided, single submitter. Criteria: Invitae Variant Classification Sherloc (09022015). Collection method: clinical testing. Allele origin: germline.
Comment: This sequence change replaces leucine, which is neutral and non-polar, with proline, which is neutral and non-polar, at codon 561 of the BUB1B protein (p.Leu561Pro). This variant is not present in population databases (gnomAD no frequency). This variant has not been reported in the literature in individuals affected with BUB1B-related conditions. An algorithm developed to predict the effect of missense changes on protein structure and function (PolyPhen-2) suggests that this variant is likely to be tolerated. In summary, the available evidence is currently insufficient to determine the role of this variant in disease. Therefore, it has been classified as a Variant of Uncertain Significance.

NM_001211.6(BUB1B):c.1682T>C (p.Leu561Pro)

Gene: BUB1B (BUB1 mitotic checkpoint serine/threonine kinase B; plus strand). Cytogenetic location: 15q15.1.
Variant type: single nucleotide variant.
Coding change: c.1682T>C on transcript NM_001211.6 (MANE Select); coding-DNA position 1682, T replaced by C.
Protein change: p.Leu561Pro; replaces leucine 561 with proline.
Molecular consequence: missense variant.
Genome position (GRCh38, 1-based): chr15:40,202,642, T>C. VCF-style: chr15-40202642-T-C. GRCh37 (hg19) VCF-style: chr15-40494843-T-C.
Other names: short protein forms L561P.
Identifiers: ClinVar variation 2826244 (VCV002826244.3), dbSNP rs2542559458, ClinGen allele CA391691637.
Genomic context (GRCh38, chr15:40,202,642, plus strand): 5'-TTTCCAGTCCTCCTGCAGATCCCCCACGAGTTTTAGCTCAACGAAGACCCCTTGCAGTTC[T>C]CAAAACCTCAGAAAGCATCACCTCAAATGAAGATGTGTCTCCAGATGTTTGTGTAAGGAG-3'
Protein context (NP_001202.5, residues 551-571): VLAQRRPLAV[Leu561Pro]KTSESITSNE